The following is an entry in ClinVar:

ClinVar aggregate classification (germline): Uncertain significance (1 of 4 stars; one submission).

Conditions:
Charcot-Marie-Tooth disease type 4. Also called: Charcot-Marie-Tooth disease, type IV; Charcot-Marie-Tooth, Type 4. Identifiers: Orphanet 64749, MedGen C4082197, MONDO:0018995.

gnomAD v4.1: 11 of 1,613,780 alleles (0.00068%); highest among the groups gnomAD compares: Non-Finnish European, 0.00093%; no homozygotes.

Submission:

Labcorp Genetics (formerly Invitae), Labcorp
Classification: Uncertain significance for Charcot-Marie-Tooth disease type 4. Last evaluated: 2022-04-25. Review status: criteria provided, single submitter. Criteria: Invitae Variant Classification Sherloc (09022015). Collection method: clinical testing. Allele origin: germline.
Comment: In summary, the available evidence is currently insufficient to determine the role of this variant in disease. Therefore, it has been classified as a Variant of Uncertain Significance. Algorithms developed to predict the effect of missense changes on protein structure and function are either unavailable or do not agree on the potential impact of this missense change (SIFT: "Deleterious"; PolyPhen-2: "Benign"; Align-GVGD: "Class C0"). This variant has not been reported in the literature in individuals affected with SBF2-related conditions. This variant is not present in population databases (gnomAD no frequency). This sequence change replaces histidine, which is basic and polar, with asparagine, which is neutral and polar, at codon 471 of the SBF2 protein (p.His471Asn).

NM_030962.4(SBF2):c.1411C>A (p.His471Asn)

Gene: SBF2 (SET binding factor 2; minus strand). Cytogenetic location: 11p15.4.
Variant type: single nucleotide variant.
Coding change: c.1411C>A on transcript NM_030962.4 (MANE Select); coding-DNA position 1411, C replaced by A.
Protein change: p.His471Asn; replaces histidine 471 with asparagine.
Molecular consequence: missense variant.
Genome position (GRCh38, 1-based): chr11:9,968,530, G>T on the plus strand (C>A on the coding strand, the complement: SBF2 is on the minus strand). VCF-style: chr11-9968530-G-T. GRCh37 (hg19) VCF-style: chr11-9990077-G-T.
Other names: c.1411C>A, p.His471Asn (NM_001386339.1); c.1282C>A, p.His428Asn (NM_001386342.1); short protein forms H428N, H471N.
Identifiers: ClinVar variation 1981325 (VCV001981325.4), dbSNP rs771104991, ClinGen allele CA379630691.